The following is an entry in ClinVar:

NM_145290.4(ADGRA3):c.1548G>C (p.Gln516His)

Gene: ADGRA3 (adhesion G protein-coupled receptor A3; minus strand). Cytogenetic location: 4p15.2.
Variant type: single nucleotide variant.
Coding change: c.1548G>C on transcript NM_145290.4 (MANE Select); coding-DNA position 1548, G replaced by C.
Protein change: p.Gln516His; replaces glutamine 516 with histidine.
Molecular consequence: missense variant.
Genome position (GRCh38, 1-based): chr4:22,424,248, C>G on the plus strand (G>C on the coding strand, the complement: ADGRA3 is on the minus strand). VCF-style: chr4-22424248-C-G. GRCh37 (hg19) VCF-style: chr4-22425871-C-G.
Other names: short protein forms Q516H.
Identifiers: ClinVar variation 4771707 (VCV004771707.1).

ClinVar aggregate classification (germline): Uncertain significance (1 of 4 stars; one submission).

gnomAD v4.1: 2 of 1,613,586 alleles (0.00012%); highest among the groups gnomAD compares: Non-Finnish European, 0.00017%; no homozygotes.

Submission:

Labcorp Genetics (formerly Invitae), Labcorp
Classification: Uncertain significance. Last evaluated: 2025-08-03. Review status: criteria provided, single submitter. Criteria: Invitae Variant Classification Sherloc (09022015). Collection method: clinical testing. Allele origin: germline.
Comment: This sequence change replaces glutamine, which is neutral and polar, with histidine, which is basic and polar, at codon 516 of the ADGRA3 protein (p.Gln516His). This variant is not present in population databases (gnomAD no frequency). This variant has not been reported in the literature in individuals affected with ADGRA3-related conditions. An algorithm developed to predict the effect of missense changes on protein structure and function (PolyPhen-2) suggests that this variant is likely to be disruptive. In summary, the available evidence is currently insufficient to determine the role of this variant in disease. Therefore, it has been classified as a Variant of Uncertain Significance.